The following is an entry in ClinVar:

NM_022047.4(DEF6):c.1184C>A (p.Ala395Glu)

Gene: DEF6 (DEF6 guanine nucleotide exchange factor; plus strand). Cytogenetic location: 6p21.31.
Variant type: single nucleotide variant.
Coding change: c.1184C>A on transcript NM_022047.4 (MANE Select); coding-DNA position 1184, C replaced by A.
Protein change: p.Ala395Glu; replaces alanine 395 with glutamic acid.
Molecular consequence: missense variant.
Genome position (GRCh38, 1-based): chr6:35,318,440, C>A. VCF-style: chr6-35318440-C-A. GRCh37 (hg19) VCF-style: chr6-35286217-C-A.
Other names: c.1184C>A (NM_022047.3); short protein forms A395E.
Identifiers: ClinVar variation 1020186 (VCV001020186.8), dbSNP rs934284426, ClinGen allele CA137283023.

ClinVar aggregate classification (germline): Uncertain significance. Review status: criteria provided, multiple submitters, no conflicts (2 of 4 stars). 2 submissions from 2 submitters: Uncertain significance (2). Last evaluated 2025-01-16.

Allele frequency attached by ClinVar (database versions not stated): gnomAD exomes 0.00007 and 0.00016; gnomAD 0.00008 and 0.00009; TOPMed 0.00008.
gnomAD v4.1: 216 of 1,481,824 alleles (0.015%); highest among the groups gnomAD compares: Middle Eastern, 0.024%; no homozygotes.

Submissions (2):

Ambry Genetics
Classification: Uncertain significance. Last evaluated: 2025-01-16. Review status: criteria provided, single submitter. Criteria: Ambry Variant Classification Scheme 2023. Collection method: clinical testing. Allele origin: germline.

Labcorp Genetics (formerly Invitae), Labcorp
Classification: Uncertain significance. Last evaluated: 2025-01-01. Review status: criteria provided, single submitter. Criteria: Invitae Variant Classification Sherloc (09022015). Collection method: clinical testing. Allele origin: germline.
Comment: This sequence change replaces alanine, which is neutral and non-polar, with glutamic acid, which is acidic and polar, at codon 395 of the DEF6 protein (p.Ala395Glu). This variant is present in population databases (no rsID available, gnomAD 0.02%). This variant has not been reported in the literature in individuals affected with DEF6-related conditions. ClinVar contains an entry for this variant (Variation ID: 1020186). An algorithm developed to predict the effect of missense changes on protein structure and function (PolyPhen-2) suggests that this variant¬†is likely to be tolerated. In summary, the available evidence is currently insufficient to determine the role of this variant in disease. Therefore, it has been classified as a Variant of Uncertain Significance.